The following is an entry in ClinVar:

NM_007294.4(BRCA1):c.3045A>C (p.Gly1015=)

Gene: BRCA1 (BRCA1 DNA repair associated; minus strand). Cytogenetic location: 17q21.31.
Variant type: single nucleotide variant.
Coding change: c.3045A>C on transcript NM_007294.4 (MANE Select); coding-DNA position 3045, A replaced by C.
Protein change: p.Gly1015=; no amino-acid change (glycine 1015 retained).
Molecular consequence: synonymous variant. On other transcripts: intron variant (137).
Genome position (GRCh38, 1-based): chr17:43,092,486, T>G on the plus strand (A>C on the coding strand, the complement: BRCA1 is on the minus strand). VCF-style: chr17-43092486-T-G. GRCh37 (hg19) VCF-style: chr17-41244503-T-G.
Other names: c.2832A>C, p.Gly944= (NM_001407571.1, NM_001407853.1, NM_001407894.1 and 9 more transcripts); c.3045A>C, p.Gly1015= (NM_001407581.1, NM_001407582.1, NM_001407583.1 and 30 more transcripts); c.3042A>C, p.Gly1014= (NM_001407587.1, NM_001407590.1, NM_001407591.1 and 22 more transcripts); c.3036A>C, p.Gly1012= (NM_001407646.1, NM_001407647.1); c.2922A>C, p.Gly974= (NM_001407648.1, NM_001407664.1, NM_001407665.1 and 19 more transcripts); c.2919A>C, p.Gly973= (NM_001407649.1, NM_001407670.1, NM_001407671.1 and 11 more transcripts); c.2967A>C, p.Gly989= (NM_001407653.1, NM_001407654.1, NM_001407655.1 and 4 more transcripts); c.2964A>C, p.Gly988= (NM_001407659.1, NM_001407660.1, NM_001407661.1 and 1 more transcripts); and 41 more.
Identifiers: ClinVar variation 427267 (VCV000427267.4), dbSNP rs1131692079, ClinGen allele CA500232337.

ClinVar aggregate classification (germline): Likely benign (3 of 4 stars; one submission).

Conditions:
Breast-ovarian cancer, familial, susceptibility to, 1 (BROVCA1). Also called: BRCA1 Hereditary Breast and Ovarian Cancer; OVARIAN CANCER, SUSCEPTIBILITY TO. Identifiers: Orphanet 145, MedGen C2676676, MONDO:0011450, OMIM 604370. Disease mechanism: loss of function.

Submission:

Evidence-based Network for the Interpretation of Germline Mutant Alleles (ENIGMA)
Classification: Likely benign for Breast-ovarian cancer, familial, susceptibility to, 1. Last evaluated: 2017-06-29. Review status: reviewed by expert panel. Criteria: ENIGMA BRCA1/2 Classification Criteria (2017-06-29). Collection method: curation. Allele origin: germline.
Comment: Synonymous substitution variant, with low bioinformatic likelihood to result in a splicing aberration (Splicing prior probability 0.02).